The following is an entry in ClinVar:

ClinVar aggregate classification (germline): Uncertain significance. Review status: criteria provided, multiple submitters, no conflicts (2 of 4 stars). 2 submissions from 2 submitters: Uncertain significance (2). Last evaluated 2023-07-29.

Conditions:
Inborn genetic diseases. Identifiers: MedGen C0950123, MeSH D030342.
Familial hemophagocytic lymphohistiocytosis 3 (FHL3). Also called: UNC13D-Related Familial Hemophagocytic Lymphohistiocytosis (UNC13D-fHLH). Identifiers: Orphanet 540, MedGen C1837174, MONDO:0012146, OMIM 608898.

Allele frequency attached by ClinVar (database versions not stated): gnomAD 0.00001; TOPMed 0.00002; ESP Exome Variant Server 0.00008.
gnomAD v4.1: 1 of 1,582,202 alleles (0.000063%); highest among the groups gnomAD compares: Non-Finnish European, 0.000086%; no homozygotes.

Submissions (2):

Ambry Genetics
Classification: Uncertain significance for Inborn genetic diseases. Last evaluated: 2023-07-29. Review status: criteria provided, single submitter. Criteria: Ambry Variant Classification Scheme 2023. Collection method: clinical testing. Allele origin: germline.

Labcorp Genetics (formerly Invitae), Labcorp
Classification: Uncertain significance for Familial hemophagocytic lymphohistiocytosis 3. Last evaluated: 2022-04-15. Review status: criteria provided, single submitter. Criteria: Invitae Variant Classification Sherloc (09022015). Collection method: clinical testing. Allele origin: germline.
Comment: This sequence change replaces glutamic acid, which is acidic and polar, with glutamine, which is neutral and polar, at codon 706 of the UNC13D protein (p.Glu706Gln). This variant is not present in population databases (gnomAD no frequency). This variant has not been reported in the literature in individuals affected with UNC13D-related conditions. ClinVar contains an entry for this variant (Variation ID: 573362). Algorithms developed to predict the effect of missense changes on protein structure and function are either unavailable or do not agree on the potential impact of this missense change (SIFT: "Not Available"; PolyPhen-2: "Probably Damaging"; Align-GVGD: "Not Available"). Algorithms developed to predict the effect of sequence changes on RNA splicing suggest that this variant may create or strengthen a splice site. In summary, the available evidence is currently insufficient to determine the role of this variant in disease. Therefore, it has been classified as a Variant of Uncertain Significance.

NM_199242.3(UNC13D):c.2116G>C (p.Glu706Gln)

Gene: UNC13D (unc-13 homolog D; minus strand). Cytogenetic location: 17q25.1.
Variant type: single nucleotide variant.
Coding change: c.2116G>C on transcript NM_199242.3 (MANE Select); coding-DNA position 2116, G replaced by C.
Protein change: p.Glu706Gln; replaces glutamic acid 706 with glutamine.
Molecular consequence: missense variant.
Genome position (GRCh38, 1-based): chr17:75,834,507, C>G on the plus strand (G>C on the coding strand, the complement: UNC13D is on the minus strand). VCF-style: chr17-75834507-C-G. GRCh37 (hg19) VCF-style: chr17-73830588-C-G.
Other names: short protein forms E706Q.
Identifiers: ClinVar variation 573362 (VCV000573362.7), dbSNP rs140332182, ClinGen allele CA294086402.
Genomic context (GRCh38, chr17:75,834,507, plus strand): 5'-GCTCCAGGGCCTCCCATGCCAGCTGGGCGGGCAACTTGCCGATCACCAGCCGCAGCTGCT[C>G]CATGTCATTCACCACCACACACAGCTGGGACAGAGATGCAGAGCTTCCTGAACTGTGCCC-3'
Protein context (NP_954712.1, residues 696-716): NMLCVVVNDM[Glu706Gln]QLRLVIGKLP